The following is an entry in ClinVar:

NM_001375567.1(FOCAD):c.2889T>C (p.Ala963=)

Gene: FOCAD (focadhesin; plus strand). Cytogenetic location: 9p21.3.
Variant type: single nucleotide variant.
Coding change: c.2889T>C on transcript NM_001375567.1 (MANE Select); coding-DNA position 2889, T replaced by C.
Protein change: p.Ala963=; no amino-acid change (alanine 963 retained).
Molecular consequence: synonymous variant.
Genome position (GRCh38, 1-based): chr9:20,923,696, T>C. VCF-style: chr9-20923696-T-C. GRCh37 (hg19) VCF-style: chr9-20923695-T-C.
Other names: c.2784T>C, p.Ala928= (NM_001375568.1, NM_001375570.1); c.2889T>C, p.Ala963= (NM_017794.5).
Identifiers: ClinVar variation 2673170 (VCV002673170.23), dbSNP rs1421950938, ClinGen allele CA464055778.

ClinVar aggregate classification (germline): Likely benign (1 of 4 stars; one submission).

Allele frequency attached by ClinVar (database versions not stated): TOPMed below 0.00001; gnomAD 0.00001; gnomAD exomes 0.00001.
gnomAD v4.1: 22 of 1,614,008 alleles (0.0014%); highest among the groups gnomAD compares: Non-Finnish European, 0.0017%; no homozygotes.

Submission:

CeGaT Center for Human Genetics Tuebingen
Classification: Likely benign. Last evaluated: 2023-11-01. Review status: criteria provided, single submitter. Criteria: CeGaT Center For Human Genetics Tuebingen Variant Classification Criteria Version 2. Collection method: clinical testing. Allele origin: germline. Affected: yes. Observed: 1 variant allele.
Comment: FOCAD: BP4, BP7